The following is an entry in ClinVar:

NM_000532.5(PCCB):c.183+2T>C

Gene: PCCB (propionyl-CoA carboxylase subunit beta; plus strand). Cytogenetic location: 3q22.3.
Variant type: single nucleotide variant.
Coding change: c.183+2T>C on transcript NM_000532.5 (MANE Select); the canonical splice donor site of the intron after coding-DNA position 183, T replaced by C.
Molecular consequence: splice donor variant.
Genome position (GRCh38, 1-based): chr3:136,250,560, T>C. VCF-style: chr3-136250560-T-C. GRCh37 (hg19) VCF-style: chr3-135969402-T-C.
Other names: c.183+2T>C (NM_001178014.2).
Identifiers: ClinVar variation 4814327 (VCV004814327.1).

ClinVar aggregate classification (germline): Pathogenic (1 of 4 stars; one submission).

Conditions:
Propionic acidemia (PROP). Also called: GLYCINEMIA, KETOTIC; HYPERGLYCINEMIA WITH KETOACIDOSIS AND LEUKOPENIA; KETOTIC HYPERGLYCINEMIA. Identifiers: Orphanet 35, MedGen C0268579, MONDO:0011628, OMIM 606054, HP:0003571.

Submission:

Natera, Inc.
Classification: Pathogenic for Propionic acidemia. Last evaluated: 2025-12-01. Review status: criteria provided, single submitter. Criteria: Natera Variant Classification Schema (03/2026). Collection method: clinical testing. Allele origin: germline.
Comment: The c.183+2T>C variant in PCCB is a canonical splice donor site variant predicted to affect pre-mRNA splicing, which may result in an abnormal transcript and altered protein product. This variant is expected to result in nonsense mediated decay, truncation, or a dysfunctional protein product. This variant is rare in the general population with a frequency below the threshold expected for the associated phenotype(s). This variant has been observed in one or more individuals affected with the associated recessive disease, as either homozygous or compound heterozygous with a second variant (PMID: 22033733, 17051315). Functional studies show that this variant may disrupt protein function (PMID: 17051315). Given the available evidence, this variant is classified as Pathogenic.

Literature cited by the submitters: PubMed 22033733; PubMed 17051315.